The following is an entry in ClinVar:

NM_000179.3(MSH6):c.1416C>T (p.Ser472=)

Gene: MSH6 (mutS homolog 6; plus strand). Cytogenetic location: 2p16.3.
Variant type: single nucleotide variant.
Coding change: c.1416C>T on transcript NM_000179.3 (MANE Select); coding-DNA position 1416, C replaced by T.
Protein change: p.Ser472=; no amino-acid change (serine 472 retained).
Molecular consequence: synonymous variant. On other transcripts: non-coding transcript variant (4), intron variant (1).
Genome position (GRCh38, 1-based): chr2:47,799,399, C>T. VCF-style: chr2-47799399-C-T. GRCh37 (hg19) VCF-style: chr2-48026538-C-T.
Other names: c.510C>T, p.Ser170= (NM_001406823.1, NM_001406829.1, NM_001281493.2 and 6 more transcripts); c.1119C>T, p.Ser373= (NM_001406827.1, NM_001406830.1, NM_001406824.1 and 10 more transcripts); c.1248C>T, p.Ser416= (NM_001406826.1); c.1026C>T, p.Ser342= (NM_001281492.2); c.1512C>T, p.Ser504= (NM_001406795.1, NM_001406802.1); c.1416C>T, p.Ser472= (NM_001406796.1, NM_001406798.1, NM_001406800.1 and 4 more transcripts); c.891C>T, p.Ser297= (NM_001406799.1, NM_001406806.1, NM_001406807.1); c.1338C>T, p.Ser446= (NM_001406804.1); and 2 more.
Identifiers: ClinVar variation 1772138 (VCV001772138.8), dbSNP rs2104342445, ClinGen allele CA426121179.

ClinVar aggregate classification (germline): Benign/Likely benign. Review status: criteria provided, multiple submitters, no conflicts (2 of 4 stars). 3 submissions from 3 submitters: Benign (1); Likely benign (2). Last evaluated 2024-12-26.

Conditions:
Hereditary nonpolyposis colorectal neoplasms. Identifiers: MedGen C0009405, MeSH D003123.
Hereditary cancer-predisposing syndrome. Also called: Hereditary Cancer Syndrome; Hereditary neoplastic syndrome; Neoplastic Syndromes, Hereditary; Tumor predisposition. Identifiers: Orphanet 140162, MedGen C0027672, MeSH D009386, MONDO:0015356.
Lynch syndrome 5 (LYNCH5). Also called: Hereditary non-polyposis colorectal cancer, type 5; Colorectal cancer, hereditary nonpolyposis, type 5. Identifiers: Orphanet 144, MedGen C1833477, MONDO:0013710, OMIM 614350. Disease mechanism: loss of function.

Allele frequency attached by ClinVar (database versions not stated): gnomAD exomes below 0.00001.
gnomAD v4.1: 1 of 1,614,088 alleles (0.000062%); highest among the groups gnomAD compares: South Asian, 0.0011%; no homozygotes.

Submissions (3):

Myriad Genetics, Inc.
Classification: Benign for Lynch syndrome 5. Last evaluated: 2024-12-26. Review status: criteria provided, single submitter. Criteria: Myriad Autosomal Dominant, Autosomal Recessive and X-Linked Classification Criteria (2023). Collection method: clinical testing. Allele origin: unknown.
Comment: This variant is considered benign. This variant is a silent/synonymous amino acid change and it is not expected to impact splicing.

Labcorp Genetics (formerly Invitae), Labcorp
Classification: Likely benign for Hereditary nonpolyposis colorectal neoplasms. Last evaluated: 2022-05-20. Review status: criteria provided, single submitter. Criteria: Invitae Variant Classification Sherloc (09022015). Collection method: clinical testing. Allele origin: germline.

Ambry Genetics
Classification: Likely benign for Hereditary cancer-predisposing syndrome. Last evaluated: 2020-05-09. Review status: criteria provided, single submitter. Criteria: Ambry Variant Classification Scheme 2023. Collection method: clinical testing. Allele origin: germline.